The following is an entry in ClinVar:

NM_000540.3(RYR1):c.12889G>C (p.Val4297Leu)

Gene: RYR1 (ryanodine receptor 1; plus strand). Cytogenetic location: 19q13.2.
Variant type: single nucleotide variant.
Coding change: c.12889G>C on transcript NM_000540.3 (MANE Select); coding-DNA position 12889, G replaced by C.
Protein change: p.Val4297Leu; replaces valine 4297 with leucine.
Molecular consequence: missense variant.
Genome position (GRCh38, 1-based): chr19:38,565,223, G>C. VCF-style: chr19-38565223-G-C. GRCh37 (hg19) VCF-style: chr19-39055863-G-C.
Other names: c.12874G>C, p.Val4292Leu (NM_001042723.2); short protein forms V4297L, V4292L.
Identifiers: ClinVar variation 1031612 (VCV001031612.3), dbSNP rs1973345393, ClinGen allele CA405672459.
Genomic context (GRCh38, chr19:38,565,223, plus strand): 5'-GAGGGCGCGGCGGGGCTCGAGGGCACGGCGGCCACGGCGGCGGCGGGGGCGACGGCGCGG[G>C]TTGTGGCGGCCGCAGGCCGGGCCCTGCGAGGCCTCAGCTACCGCAGCCTGCGGCGGCGCG-3'
Protein context (NP_000531.2, residues 4287-4307): ATAAAGATAR[Val4297Leu]VAAAGRALRG

ClinVar aggregate classification (germline): Uncertain significance. Review status: criteria provided, multiple submitters, no conflicts (2 of 4 stars). 2 submissions from 2 submitters: Uncertain significance (2). Last evaluated 2024-10-12.

Conditions:
RYR1-related disorder. Also called: RYR1-related condition; RYR1-related disorders. Identifiers: MedGen CN239331.
Central core myopathy (CMYO1A). Also called: CONGENITAL MYOPATHY 1A, AUTOSOMAL DOMINANT, WITH SUSCEPTIBILITY TO MALIGNANT HYPERTHERMIA; Central core disease; Myopathy, central fibrillar. Identifiers: Orphanet 597, MedGen C5830701, MONDO:0007294, OMIM 117000.

Allele frequency attached by ClinVar (database versions not stated): TOPMed below 0.00001.
gnomAD v4.1: 1 of 990,714 alleles (0.0001%); no homozygotes.

Submissions (2):

Labcorp Genetics (formerly Invitae), Labcorp
Classification: Uncertain significance for RYR1-related disorder. Last evaluated: 2024-10-12. Review status: criteria provided, single submitter. Criteria: Invitae Variant Classification Sherloc (09022015). Collection method: clinical testing. Allele origin: germline.
Comment: This sequence change replaces valine, which is neutral and non-polar, with leucine, which is neutral and non-polar, at codon 4297 of the RYR1 protein (p.Val4297Leu). This variant is not present in population databases (gnomAD no frequency). This variant has not been reported in the literature in individuals affected with RYR1-related conditions. ClinVar contains an entry for this variant (Variation ID: 1031612). Invitae Evidence Modeling of protein sequence and biophysical properties (such as structural, functional, and spatial information, amino acid conservation, physicochemical variation, residue mobility, and thermodynamic stability) indicates that this missense variant is not expected to disrupt RYR1 protein function with a negative predictive value of 80%. In summary, the available evidence is currently insufficient to determine the role of this variant in disease. Therefore, it has been classified as a Variant of Uncertain Significance.

Baylor Genetics
Classification: Uncertain significance for Central core myopathy. Last evaluated: 2018-12-21. Review status: criteria provided, single submitter. Criteria: ACMG Guidelines, 2015. Collection method: clinical testing. Allele origin: maternal. Affected: yes.
Comment: This variant was determined to be of uncertain significance according to ACMG Guidelines, 2015 [PMID:25741868].